The following is an entry in ClinVar:

ClinVar aggregate classification (germline): Uncertain significance (1 of 4 stars; one submission).

gnomAD v4.1: 1 of 1,596,672 alleles (0.000063%); highest among the groups gnomAD compares: Non-Finnish European, 0.000085%; no homozygotes.

Submission:

GeneDx
Classification: Uncertain significance. Last evaluated: 2023-07-10. Review status: criteria provided, single submitter. Criteria: GeneDx Variant Classification Process June 2021. Collection method: clinical testing. Allele origin: germline. Affected: yes.
Comment: Not observed at significant frequency in large population cohorts (gnomAD); In silico analysis supports that this missense variant has a deleterious effect on protein structure/function; Has not been previously published as pathogenic or benign to our knowledge

NM_017739.4(POMGNT1):c.521T>C (p.Ile174Thr)

Genes: POMGNT1 (protein O-linked mannose N-acetylglucosaminyltransferase 1 (beta 1,2-); minus strand), TSPAN1 (tetraspanin 1; plus strand). Cytogenetic location: 1p34.1.
Variant type: single nucleotide variant.
Coding change: c.521T>C on transcript NM_017739.4 (MANE Select); coding-DNA position 521, T replaced by C.
Protein change: p.Ile174Thr; replaces isoleucine 174 with threonine.
Molecular consequence: missense variant.
Genome position (GRCh38, 1-based): chr1:46,195,824, A>G on the plus strand (T>C on the coding strand, the complement: POMGNT1 is on the minus strand). VCF-style: chr1-46195824-A-G. GRCh37 (hg19) VCF-style: chr1-46661496-A-G.
Other names: c.521T>C, p.Ile174Thr (NM_001243766.2, NM_001410783.1); c.455T>C, p.Ile152Thr (NM_001290129.3); c.92T>C, p.Ile31Thr (NM_001290130.2); short protein forms I152T, I174T, I31T.
Identifiers: ClinVar variation 3360804 (VCV003360804.1).